The following is an entry in ClinVar:

ClinVar aggregate classification (germline): Uncertain significance (1 of 4 stars; one submission).

Conditions:
Hypertrophic cardiomyopathy. Also called: HYPERTROPHIC MYOCARDIOPATHY. Identifiers: Orphanet 217569, MedGen C0007194, MeSH D002312, MONDO:0005045, HP:0001639.
Primary dilated cardiomyopathy (DCM). Also called: Dilated Cardiomyopathy. Identifiers: Orphanet 217604, MedGen C0007193, MeSH D002311, MONDO:0005021, HP:0001644. Inheritance: Various modes of inheritance.

Submission:

Labcorp Genetics (formerly Invitae), Labcorp
Classification: Uncertain significance for Hypertrophic cardiomyopathy; Primary dilated cardiomyopathy. Last evaluated: 2024-12-04. Review status: criteria provided, single submitter. Criteria: Invitae Variant Classification Sherloc (09022015). Collection method: clinical testing. Allele origin: germline.
Comment: This sequence change replaces isoleucine, which is neutral and non-polar, with asparagine, which is neutral and polar, at codon 141 of the PDLIM3 protein (p.Ile141Asn). This variant is not present in population databases (gnomAD no frequency). This variant has not been reported in the literature in individuals affected with PDLIM3-related conditions. Invitae Evidence Modeling of protein sequence and biophysical properties (such as structural, functional, and spatial information, amino acid conservation, physicochemical variation, residue mobility, and thermodynamic stability) indicates that this missense variant is not expected to disrupt PDLIM3 protein function with a negative predictive value of 80%. In summary, the available evidence is currently insufficient to determine the role of this variant in disease. Therefore, it has been classified as a Variant of Uncertain Significance.

NM_014476.6(PDLIM3):c.422T>A (p.Ile141Asn)

Gene: PDLIM3 (PDZ and LIM domain 3; minus strand). Cytogenetic location: 4q35.1.
Variant type: single nucleotide variant.
Coding change: c.422T>A on transcript NM_014476.6 (MANE Select); coding-DNA position 422, T replaced by A.
Protein change: p.Ile141Asn; replaces isoleucine 141 with asparagine.
Molecular consequence: missense variant. On other transcripts: intron variant (3).
Genome position (GRCh38, 1-based): chr4:185,508,539, A>T on the plus strand (T>A on the coding strand, the complement: PDLIM3 is on the minus strand). VCF-style: chr4-185508539-A-T. GRCh37 (hg19) VCF-style: chr4-186429693-A-T.
Other names: c.162-1887T>A (NM_001257963.2); c.399-1887T>A (NM_001257962.2); c.519-1887T>A (NM_001114107.5); short protein forms I141N.
Identifiers: ClinVar variation 3758793 (VCV003758793.2).